The following is an entry in ClinVar:

NM_024334.3(TMEM43):c.191T>G (p.Leu64Trp)

Gene: TMEM43 (transmembrane protein 43; plus strand). Cytogenetic location: 3p25.1.
Variant type: single nucleotide variant.
Coding change: c.191T>G on transcript NM_024334.3 (MANE Select); coding-DNA position 191, T replaced by G.
Protein change: p.Leu64Trp; replaces leucine 64 with tryptophan.
Molecular consequence: missense variant.
Genome position (GRCh38, 1-based): chr3:14,130,850, T>G. VCF-style: chr3-14130850-T-G. GRCh37 (hg19) VCF-style: chr3-14172350-T-G.
Other names: c.191T>G, p.Leu64Trp (NM_001407274.1, NM_001407275.1, NM_001407276.1 and 2 more transcripts); c.176T>G, p.Leu59Trp (NM_001407278.1); c.41T>G, p.Leu14Trp (NM_001407280.1); short protein forms L59W, L64W, L14W.
Identifiers: ClinVar variation 4760707 (VCV004760707.1).
Genomic context (GRCh38, chr3:14,130,850, plus strand): 5'-CTGTTGAAATCCCCACTCCCCTTTGCTCCCAGGGCCGCGCATTGAAGACGGCAACCTCAT[T>G]GGCTGAGGGGCTCTCGCTTGTGGTGTCTCCCGACAGCATCCACAGTGTGGCTCCGGAGAA-3'
Protein context (NP_077310.1, residues 54-74): EGRALKTATS[Leu64Trp]AEGLSLVVSP

ClinVar aggregate classification (germline): Uncertain significance (1 of 4 stars; one submission).

Conditions:
Arrhythmogenic right ventricular dysplasia 5. Also called: Arrhythmogenic Right Ventricular Dysplasia/Cardiomyopathy 5; ARRHYTHMOGENIC RIGHT VENTRICULAR DYSPLASIA, FAMILIAL, 5. Identifiers: MedGen C1858379, MONDO:0011459, OMIM 604400.

Submission:

Labcorp Genetics (formerly Invitae), Labcorp
Classification: Uncertain significance for Arrhythmogenic right ventricular dysplasia 5. Last evaluated: 2025-03-24. Review status: criteria provided, single submitter. Criteria: Invitae Variant Classification Sherloc (09022015). Collection method: clinical testing. Allele origin: germline.
Comment: This sequence change replaces leucine, which is neutral and non-polar, with tryptophan, which is neutral and slightly polar, at codon 64 of the TMEM43 protein (p.Leu64Trp). This variant is present in population databases (rs763469415, gnomAD 0.003%). This variant has not been reported in the literature in individuals affected with TMEM43-related conditions. Invitae Evidence Modeling of protein sequence and biophysical properties (such as structural, functional, and spatial information, amino acid conservation, physicochemical variation, residue mobility, and thermodynamic stability) indicates that this missense variant is expected to disrupt TMEM43 protein function with a positive predictive value of 80%. In summary, the available evidence is currently insufficient to determine the role of this variant in disease. Therefore, it has been classified as a Variant of Uncertain Significance.